The following is an entry in ClinVar:

ClinVar aggregate classification (germline): Conflicting classifications of pathogenicity. Review status: criteria provided, conflicting classifications (1 of 4 stars). 3 submissions from 3 submitters: Uncertain significance (1); Benign (1); Likely benign (1). Last evaluated 2025-03-30.

Conditions:
Inborn genetic diseases. Identifiers: MedGen C0950123, MeSH D030342.
Pseudohypoaldosteronism type 2B (PHA2B). Also called: Pseudohypoaldosteronism Type IIB. Identifiers: Orphanet 757, Orphanet 88939, MedGen C1840390, MONDO:0013777, OMIM 614491.

Allele frequency attached by ClinVar (database versions not stated): gnomAD exomes 0.00011; TOPMed 0.00012; gnomAD 0.00015 and 0.00016; ExAC 0.00024.
gnomAD v4.1: 282 of 1,564,598 alleles (0.018%); highest among the groups gnomAD compares: Non-Finnish European, 0.023%; no homozygotes.

Submissions (3):

Labcorp Genetics (formerly Invitae), Labcorp
Classification: Likely benign. Last evaluated: 2025-03-30. Review status: criteria provided, single submitter. Criteria: Invitae Variant Classification Sherloc (09022015). Collection method: clinical testing. Allele origin: germline.

Ambry Genetics
Classification: Uncertain significance for Inborn genetic diseases. Last evaluated: 2024-12-23. Review status: criteria provided, single submitter. Criteria: Ambry Variant Classification Scheme 2023. Collection method: clinical testing. Allele origin: germline.

Illumina Laboratory Services, Illumina
Classification: Benign for Pseudohypoaldosteronism type 2B. Last evaluated: 2018-01-12. Review status: criteria provided, single submitter. Criteria: ICSL Variant Classification Criteria 13 December 2019. Collection method: clinical testing. Allele origin: germline.
Comment: This variant was observed in the ICSL laboratory as part of a predisposition screen in an ostensibly healthy population. It had not been previously curated by ICSL or reported in the Human Gene Mutation Database (HGMD: prior to June 1st, 2018), and was therefore a candidate for classification through an automated scoring system. Utilizing variant allele frequency, disease prevalence and penetrance estimates, and inheritance mode, an automated score was calculated to assess if this variant is too frequent to cause the disease. Based on the score and internal cut-off values, a variant classified as benign is not then subjected to further curation. The score for this variant resulted in a classification of benign for this disease.

NM_032387.5(WNK4):c.1414C>G (p.Gln472Glu)

Gene: WNK4 (WNK lysine deficient protein kinase 4; plus strand). Cytogenetic location: 17q21.2.
Variant type: single nucleotide variant.
Coding change: c.1414C>G on transcript NM_032387.5 (MANE Select); coding-DNA position 1414, C replaced by G.
Protein change: p.Gln472Glu; replaces glutamine 472 with glutamic acid.
Molecular consequence: missense variant.
Genome position (GRCh38, 1-based): chr17:42,785,420, C>G. VCF-style: chr17-42785420-C-G. GRCh37 (hg19) VCF-style: chr17-40937438-C-G.
Other names: c.406C>G, p.Gln136Glu (NM_001321299.2); short protein forms Q136E, Q472E.
Identifiers: ClinVar variation 889335 (VCV000889335.10), dbSNP rs761294614, ClinGen allele CA8583982.